The following is an entry in ClinVar:

ClinVar aggregate classification (germline): Uncertain significance (1 of 4 stars; one submission).

gnomAD v4.1: 9 of 1,611,606 alleles (0.00056%); highest among the groups gnomAD compares: Non-Finnish European, 0.00076%; no homozygotes.

Submission:

Labcorp Genetics (formerly Invitae), Labcorp
Classification: Uncertain significance. Last evaluated: 2022-01-22. Review status: criteria provided, single submitter. Criteria: Invitae Variant Classification Sherloc (09022015). Collection method: clinical testing. Allele origin: germline.
Comment: In summary, the available evidence is currently insufficient to determine the role of this variant in disease. Therefore, it has been classified as a Variant of Uncertain Significance. This sequence change replaces glutamine, which is neutral and polar, with histidine, which is basic and polar, at codon 537 of the DEAF1 protein (p.Gln537His). This variant is present in population databases (no rsID available, gnomAD 0.002%). This variant has not been reported in the literature in individuals affected with DEAF1-related conditions. Advanced modeling of protein sequence and biophysical properties (such as structural, functional, and spatial information, amino acid conservation, physicochemical variation, residue mobility, and thermodynamic stability) performed at Invitae indicates that this missense variant is not expected to disrupt DEAF1 protein function.

NM_021008.4(DEAF1):c.1611G>C (p.Gln537His)

Gene: DEAF1 (DEAF1 transcription factor; minus strand). Cytogenetic location: 11p15.5.
Variant type: single nucleotide variant.
Coding change: c.1611G>C on transcript NM_021008.4 (MANE Select); coding-DNA position 1611, G replaced by C.
Protein change: p.Gln537His; replaces glutamine 537 with histidine.
Molecular consequence: missense variant.
Genome position (GRCh38, 1-based): chr11:644,637, C>G on the plus strand (G>C on the coding strand, the complement: DEAF1 is on the minus strand). VCF-style: chr11-644637-C-G. GRCh37 (hg19) VCF-style: chr11-644637-C-G.
Other names: c.1386G>C, p.Gln462His (NM_001293634.2); c.885G>C, p.Gln295His (NM_001367390.1); short protein forms Q295H, Q537H, Q462H.
Identifiers: ClinVar variation 1916537 (VCV001916537.5), dbSNP rs776049891, ClinGen allele CA379012509.